The following is an entry in ClinVar:

ClinVar aggregate classification (germline): Uncertain significance (1 of 4 stars; one submission).

Conditions:
Cardiovascular phenotype. Identifiers: MedGen CN230736.

Submission:

Ambry Genetics
Classification: Uncertain significance for Cardiovascular phenotype. Last evaluated: 2026-03-18. Review status: criteria provided, single submitter. Criteria: Ambry Variant Classification Scheme 2023. Collection method: clinical testing. Allele origin: germline.
Comment: The p.L878M variant (also known as c.2632T>A), located in coding exon 16 of the CBL gene, results from a T to A substitution at nucleotide position 2632. The leucine at codon 878 is replaced by methionine, an amino acid with highly similar properties. This amino acid position is conserved. In addition, this alteration is predicted to be deleterious by in silico analysis. Based on the available evidence, the clinical significance of this variant remains unclear.

NM_005188.4(CBL):c.2632T>A (p.Leu878Met)

Gene: CBL (Cbl proto-oncogene; plus strand). Cytogenetic location: 11q23.3.
Variant type: single nucleotide variant.
Coding change: c.2632T>A on transcript NM_005188.4 (MANE Select); coding-DNA position 2632, T replaced by A.
Protein change: p.Leu878Met; replaces leucine 878 with methionine.
Molecular consequence: missense variant.
Genome position (GRCh38, 1-based): chr11:119,299,692, T>A. VCF-style: chr11-119299692-T-A. GRCh37 (hg19) VCF-style: chr11-119170402-T-A.
Other names: short protein forms L878M.
Identifiers: ClinVar variation 4868202 (VCV004868202.1).